The following is an entry in ClinVar:

NM_001042681.2(RERE):c.2441C>T (p.Pro814Leu)

Gene: RERE (arginine-glutamic acid dipeptide repeats; minus strand). Cytogenetic location: 1p36.23.
Variant type: single nucleotide variant.
Coding change: c.2441C>T on transcript NM_001042681.2 (MANE Select); coding-DNA position 2441, C replaced by T.
Protein change: p.Pro814Leu; replaces proline 814 with leucine.
Molecular consequence: missense variant.
Genome position (GRCh38, 1-based): chr1:8,361,066, G>A on the plus strand (C>T on the coding strand, the complement: RERE is on the minus strand). VCF-style: chr1-8361066-G-A. GRCh37 (hg19) VCF-style: chr1-8421126-G-A.
Other names: c.779C>T, p.Pro260Leu (NM_001042682.2); c.2441C>T, p.Pro814Leu (NM_012102.4); short protein forms P260L, P814L.
Identifiers: ClinVar variation 2629437 (VCV002629437.2), dbSNP rs1216538009, ClinGen allele CA338172593.

ClinVar aggregate classification (germline): Uncertain significance (0 of 4 stars; one submission).

Conditions:
RERE-related disorder. Also called: RERE-Related Disorders; RERE-related condition. Identifiers: MedGen CN381537.

Allele frequency attached by ClinVar (database versions not stated): TOPMed below 0.00001; gnomAD 0.00001.

Submission:

PreventionGenetics, part of Exact Sciences
Classification: Uncertain significance for RERE-related condition. Last evaluated: 2024-05-08. Review status: no assertion criteria provided. Collection method: clinical testing. Allele origin: germline.
Comment: The RERE c.2441C>T variant is predicted to result in the amino acid substitution p.Pro814Leu. To our knowledge, this variant has not been reported in the literature. This variant is reported in 0.013% of alleles in individuals of East Asian descent in gnomAD. At this time, the clinical significance of this variant is uncertain due to the absence of conclusive functional and genetic evidence.